The following is an entry in ClinVar:

NM_000256.3(MYBPC3):c.292G>T (p.Glu98Ter)

Gene: MYBPC3 (myosin binding protein C3; minus strand). Cytogenetic location: 11p11.2.
Variant type: single nucleotide variant.
Coding change: c.292G>T on transcript NM_000256.3 (MANE Select); coding-DNA position 292, G replaced by T.
Protein change: p.Glu98Ter; replaces glutamic acid 98 with a stop codon.
Molecular consequence: nonsense.
Genome position (GRCh38, 1-based): chr11:47,351,239, C>A on the plus strand (G>T on the coding strand, the complement: MYBPC3 is on the minus strand). VCF-style: chr11-47351239-C-A. GRCh37 (hg19) VCF-style: chr11-47372790-C-A.
Other names: c.292G>T, p.Glu98Ter (LRG_386t1); short protein forms E98*.
Identifiers: ClinVar variation 525015 (VCV000525015.8), dbSNP rs868819340, ClinGen allele CA221708458.

ClinVar aggregate classification (germline): Pathogenic (1 of 4 stars; one submission).

Conditions:
Hypertrophic cardiomyopathy. Also called: HYPERTROPHIC MYOCARDIOPATHY. Identifiers: Orphanet 217569, MedGen C0007194, MeSH D002312, MONDO:0005045, HP:0001639.

Allele frequency attached by ClinVar (database versions not stated): gnomAD exomes below 0.00001.
gnomAD v4.1: 1 of 1,527,798 alleles (0.000065%); highest among the groups gnomAD compares: Non-Finnish European, 0.000089%; no homozygotes.

Submission:

Labcorp Genetics (formerly Invitae), Labcorp
Classification: Pathogenic for Hypertrophic cardiomyopathy. Last evaluated: 2022-03-05. Review status: criteria provided, single submitter. Criteria: Invitae Variant Classification Sherloc (09022015). Collection method: clinical testing. Allele origin: germline.
Comment: This sequence change creates a premature translational stop signal (p.Glu98*) in the MYBPC3 gene. It is expected to result in an absent or disrupted protein product. Loss-of-function variants in MYBPC3 are known to be pathogenic (PMID: 19574547). This variant is not present in population databases (gnomAD no frequency). This premature translational stop signal has been observed in individual(s) with MYBPC3-related conditions (Invitae). It has also been observed to segregate with disease in related individuals. ClinVar contains an entry for this variant (Variation ID: 525015). Algorithms developed to predict the effect of sequence changes on RNA splicing suggest that this variant may create or strengthen a splice site. For these reasons, this variant has been classified as Pathogenic.

Literature cited by the submitters: PubMed 19574547.